The following is an entry in ClinVar:

ClinVar aggregate classification (germline): Uncertain significance (1 of 4 stars; one submission).

Allele frequency attached by ClinVar (database versions not stated): gnomAD 0.00001; ExAC 0.00003.
gnomAD v4.1: 21 of 1,614,196 alleles (0.0013%); highest among the groups gnomAD compares: South Asian, 0.023%; no homozygotes.

Submission:

Labcorp Genetics (formerly Invitae), Labcorp
Classification: Uncertain significance. Last evaluated: 2021-12-06. Review status: criteria provided, single submitter. Criteria: Invitae Variant Classification Sherloc (09022015). Collection method: clinical testing. Allele origin: germline.
Comment: This sequence change replaces glycine, which is neutral and non-polar, with valine, which is neutral and non-polar, at codon 207 of the RUSC2 protein (p.Gly207Val). This variant is present in population databases (rs751304554, gnomAD 0.03%). This variant has not been reported in the literature in individuals affected with RUSC2-related conditions. Algorithms developed to predict the effect of missense changes on protein structure and function are either unavailable or do not agree on the potential impact of this missense change (SIFT: "Tolerated"; PolyPhen-2: "Probably Damaging"; Align-GVGD: "Class C0"). Algorithms developed to predict the effect of sequence changes on RNA splicing suggest that this variant may create or strengthen a splice site. In summary, the available evidence is currently insufficient to determine the role of this variant in disease. Therefore, it has been classified as a Variant of Uncertain Significance.

NM_014806.5(RUSC2):c.620G>T (p.Gly207Val)

Gene: RUSC2 (RUN and SH3 domain containing 2; plus strand). Cytogenetic location: 9p13.3.
Variant type: single nucleotide variant.
Coding change: c.620G>T on transcript NM_014806.5 (MANE Select); coding-DNA position 620, G replaced by T.
Protein change: p.Gly207Val; replaces glycine 207 with valine.
Molecular consequence: missense variant. On other transcripts: non-coding transcript variant (1), intron variant (1).
Genome position (GRCh38, 1-based): chr9:35,547,141, G>T. VCF-style: chr9-35547141-G-T. GRCh37 (hg19) VCF-style: chr9-35547138-G-T.
Other names: c.620G>T, p.Gly207Val (NM_001135999.2); c.-620-7919G>T (NM_001330740.2); short protein forms G207V.
Identifiers: ClinVar variation 1926020 (VCV001926020.5), dbSNP rs751304554, ClinGen allele CA5043504.